The following is an entry in ClinVar:

ClinVar aggregate classification (germline): Benign. Review status: criteria provided, multiple submitters, no conflicts (2 of 4 stars). 2 submissions from 2 submitters: Benign (2). Last evaluated 2018-01-13.

Conditions:
Congenital glucose-galactose malabsorption (GGM). Also called: MONOSACCHARIDE MALABSORPTION; DIARRHEA 16. Identifiers: Orphanet 35710, MedGen C0268186, MONDO:0011731, OMIM 606824.

Allele frequency attached by ClinVar (database versions not stated): TOPMed 0.00647; gnomAD 0.00663; 1000 Genomes Project 0.00539; 1000 Genomes Project 30x 0.00578.

Submissions (2):

Illumina Laboratory Services, Illumina
Classification: Benign for Congenital glucose-galactose malabsorption. Last evaluated: 2018-01-13. Review status: criteria provided, single submitter. Criteria: ICSL Variant Classification Criteria 13 December 2019. Collection method: clinical testing. Allele origin: germline.
Comment: This variant was observed in the ICSL laboratory as part of a predisposition screen in an ostensibly healthy population. It had not been previously curated by ICSL or reported in the Human Gene Mutation Database (HGMD: prior to June 1st, 2018), and was therefore a candidate for classification through an automated scoring system. Utilizing variant allele frequency, disease prevalence and penetrance estimates, and inheritance mode, an automated score was calculated to assess if this variant is too frequent to cause the disease. Based on the score and internal cut-off values, a variant classified as benign is not then subjected to further curation. The score for this variant resulted in a classification of benign for this disease.

Breakthrough Genomics
Classification: Benign. Review status: criteria provided, single submitter. Criteria: ACMG Guidelines, 2015. Collection method: not provided. Allele origin: germline. Inheritance: Autosomal recessive inheritance. Affected: yes.

NM_000343.4(SLC5A1):c.*1432G>T

Gene: SLC5A1 (solute carrier family 5 member 1; plus strand). Cytogenetic location: 22q12.3.
Variant type: single nucleotide variant.
Coding change: c.*1432G>T on transcript NM_000343.4 (MANE Select); 1432 bases downstream of the stop codon, G replaced by T.
Molecular consequence: 3 prime UTR variant.
Genome position (GRCh38, 1-based): chr22:32,111,645, G>T. VCF-style: chr22-32111645-G-T. GRCh37 (hg19) VCF-style: chr22-32507632-G-T.
Other names: c.*1432G>T (NM_001256314.2).
Identifiers: ClinVar variation 341286 (VCV000341286.6), dbSNP rs28540121, ClinGen allele CA10653365.